The following is an entry in ClinVar:

NM_015409.5(EP400):c.92A>C (p.His31Pro)

Gene: EP400 (E1A binding protein p400; plus strand). Cytogenetic location: 12q24.33.
Variant type: single nucleotide variant.
Coding change: c.92A>C on transcript NM_015409.5 (MANE Select); coding-DNA position 92, A replaced by C.
Protein change: p.His31Pro; replaces histidine 31 with proline.
Molecular consequence: missense variant.
Genome position (GRCh38, 1-based): chr12:131,960,711, A>C. VCF-style: chr12-131960711-A-C. GRCh37 (hg19) VCF-style: chr12-132445256-A-C.
Other names: short protein forms H31P.
Identifiers: ClinVar variation 3034027 (VCV003034027.2), dbSNP rs777204667, ClinGen allele CA6884425.
Genomic context (GRCh38, chr12:131,960,711, plus strand): 5'-AGCATCAGCTGCAGAGGTCCAGGGCCTGCCCTGGCAGCGAGGGTGAGGAGCAGCCGGCCC[A>C]CCCCAACCCACCCCCGTCCCCCGCAGCTCCCTTCGCTCCCTCAGCAAGCCCGTCGGCACC-3'
Protein context (NP_056224.3, residues 21-41): PGSEGEEQPA[His31Pro]PNPPPSPAAP

ClinVar aggregate classification (germline): Benign (0 of 4 stars; one submission).

Conditions:
EP400-related disorder. Also called: EP400-related condition.

Allele frequency attached by ClinVar (database versions not stated): ExAC 0.03851.

Submission:

PreventionGenetics, part of Exact Sciences
Classification: Benign for EP400-related condition. Last evaluated: 2019-04-25. Review status: no assertion criteria provided. Collection method: clinical testing. Allele origin: germline.
Comment: This variant is classified as benign based on ACMG/AMP sequence variant interpretation guidelines (Richards et al. 2015 PMID: 25741868, with internal and published modifications).